The following is an entry in ClinVar:

ClinVar aggregate classification (germline): Likely benign. Review status: criteria provided, multiple submitters, no conflicts (2 of 4 stars). 3 submissions from 3 submitters: Likely benign (3). Last evaluated 2025-11-01.

Conditions:
Cardiovascular phenotype. Identifiers: MedGen CN230736.
Long QT syndrome (LQTS). Identifiers: MedGen C0023976, MeSH D008133, MONDO:0002442. Disease mechanism: loss of function. Inheritance: Various modes of inheritance.

Allele frequency attached by ClinVar (database versions not stated): gnomAD 0.00001; gnomAD exomes 0.00001 and 0.00002; TOPMed 0.00001; ExAC 0.00003.
gnomAD v4.1: 12 of 1,613,588 alleles (0.00074%); highest among the groups gnomAD compares: Middle Eastern, 0.016%; no homozygotes.

Submissions (3):

CeGaT Center for Human Genetics Tuebingen
Classification: Likely benign. Last evaluated: 2025-11-01. Review status: criteria provided, single submitter. Criteria: CeGaT Center For Human Genetics Tuebingen Variant Classification Criteria Version 2. Collection method: clinical testing. Allele origin: germline. Affected: yes. Observed: 1 variant allele.
Comment: CACNA1C: BP4, BP7

Labcorp Genetics (formerly Invitae), Labcorp
Classification: Likely benign for Long QT syndrome. Last evaluated: 2025-05-19. Review status: criteria provided, single submitter. Criteria: Invitae Variant Classification Sherloc (09022015). Collection method: clinical testing. Allele origin: germline.

Ambry Genetics
Classification: Likely benign for Cardiovascular phenotype. Last evaluated: 2020-03-17. Review status: criteria provided, single submitter. Criteria: Ambry Variant Classification Scheme 2023. Collection method: clinical testing. Allele origin: germline.

NM_000719.7(CACNA1C):c.2547G>A (p.Glu849=)

Gene: CACNA1C (calcium voltage-gated channel subunit alpha1 C; plus strand). Cytogenetic location: 12p13.33.
Variant type: single nucleotide variant.
Coding change: c.2547G>A on transcript NM_000719.7 (MANE Select); coding-DNA position 2547, G replaced by A.
Protein change: p.Glu849=; no amino-acid change (glutamic acid 849 retained).
Molecular consequence: synonymous variant.
Genome position (GRCh38, 1-based): chr12:2,593,229, G>A. VCF-style: chr12-2593229-G-A. GRCh37 (hg19) VCF-style: chr12-2702395-G-A.
Other names: c.2547G>A, p.Glu849= (NM_001129827.2, NM_001129829.2, NM_001129830.3 and 18 more transcripts); c.2538G>A, p.Glu846= (NM_001129844.2).
Identifiers: ClinVar variation 527070 (VCV000527070.20), dbSNP rs759093479, ClinGen allele CA6389008.